The following is an entry in ClinVar:

NM_024580.6(EFL1):c.593T>C (p.Val198Ala)

Gene: EFL1 (elongation factor like GTPase 1; minus strand). Cytogenetic location: 15q25.2.
Variant type: single nucleotide variant.
Coding change: c.593T>C on transcript NM_024580.6 (MANE Select); coding-DNA position 593, T replaced by C.
Protein change: p.Val198Ala; replaces valine 198 with alanine.
Molecular consequence: missense variant. On other transcripts: 5 prime UTR variant (1), non-coding transcript variant (1).
Genome position (GRCh38, 1-based): chr15:82,238,445, A>G on the plus strand (T>C on the coding strand, the complement: EFL1 is on the minus strand). VCF-style: chr15-82238445-A-G. GRCh37 (hg19) VCF-style: chr15-82530786-A-G.
Other names: p.Val198Ala; c.440T>C, p.Val147Ala (NM_001040610.3); c.-197T>C (NM_001322844.2); c.593T>C, p.Val198Ala (NM_001322845.2); short protein forms V147A, V198A.
Identifiers: ClinVar variation 776939 (VCV000776939.7), dbSNP rs200327900, ClinGen allele CA7698241.

ClinVar aggregate classification (germline): Benign/Likely benign. Review status: criteria provided, multiple submitters, no conflicts (2 of 4 stars). 4 submissions from 4 submitters: Benign (3); Likely benign (1). Last evaluated 2026-03-31.

Allele frequency attached by ClinVar (database versions not stated): gnomAD 0.01123 and 0.01205; TOPMed 0.01262; 1000 Genomes Project 0.01278; 1000 Genomes Project 30x 0.01374; gnomAD exomes 0.00201; ExAC 0.00313.
gnomAD v4.1: 2,877 of 1,613,130 alleles (0.18%); highest among the groups gnomAD compares: African/African-American, 3.3%; 77 homozygotes.

Submissions (4):

Women's Health and Genetics/Laboratory Corporation of America, LabCorp
Classification: Likely benign. Last evaluated: 2026-03-31. Review status: criteria provided, single submitter. Criteria: LabCorp Variant Classification Summary - May 2015. Collection method: clinical testing. Allele origin: germline.

Mayo Clinic Laboratories, Mayo Clinic
Classification: Benign. Last evaluated: 2023-09-06. Review status: criteria provided, single submitter. Criteria: ACMG Guidelines, 2015. Collection method: clinical testing. Allele origin: germline. Observed: 6 variant alleles.
Comment: BS1, BS2, BP4

Labcorp Genetics (formerly Invitae), Labcorp
Classification: Benign. Last evaluated: 2019-12-31. Review status: criteria provided, single submitter. Criteria: Invitae Variant Classification Sherloc (09022015). Collection method: clinical testing. Allele origin: germline.

Breakthrough Genomics
Classification: Benign. Review status: criteria provided, single submitter. Criteria: ACMG Guidelines, 2015. Collection method: not provided. Allele origin: germline. Inheritance: Autosomal recessive inheritance. Affected: yes.